The following is an entry in ClinVar:

ClinVar aggregate classification (germline): Pathogenic (1 of 4 stars; one submission).

Submission:

Labcorp Genetics (formerly Invitae), Labcorp
Classification: Pathogenic. Last evaluated: 2025-11-20. Review status: criteria provided, single submitter. Criteria: Invitae Variant Classification Sherloc (09022015). Collection method: clinical testing. Allele origin: germline.
Comment: This sequence change creates a premature translational stop signal (p.Trp1549*) in the KMT2A gene. It is expected to result in an absent or disrupted protein product. Loss-of-function variants in KMT2A are known to be pathogenic (PMID: 22795537, 25810209, 29574747). This variant is not present in population databases (gnomAD no frequency). This variant has not been reported in the literature in individuals affected with KMT2A-related conditions. For these reasons, this variant has been classified as Pathogenic.

Literature cited by the submitters: PubMed 22795537; PubMed 25810209; PubMed 29574747.

NM_001197104.2(KMT2A):c.4646G>A (p.Trp1549Ter)

Gene: KMT2A (lysine methyltransferase 2A; plus strand). Cytogenetic location: 11q23.3.
Variant type: single nucleotide variant.
Coding change: c.4646G>A on transcript NM_001197104.2 (MANE Select); coding-DNA position 4646, G replaced by A.
Protein change: p.Trp1549Ter; replaces tryptophan 1549 with a stop codon.
Molecular consequence: nonsense.
Genome position (GRCh38, 1-based): chr11:118,490,199, G>A. VCF-style: chr11-118490199-G-A. GRCh37 (hg19) VCF-style: chr11-118360914-G-A.
Other names: c.4745G>A, p.Trp1582Ter (NM_001412597.1); c.4646G>A, p.Trp1549Ter (NM_005933.4); short protein forms W1549*, W1582*.
Identifiers: ClinVar variation 4805198 (VCV004805198.1).